The following is an entry in ClinVar:

NM_006371.5(CRTAP):c.1151A>G (p.Glu384Gly)

Gene: CRTAP (cartilage associated protein; plus strand). Cytogenetic location: 3p22.3.
Variant type: single nucleotide variant.
Coding change: c.1151A>G on transcript NM_006371.5 (MANE Select); coding-DNA position 1151, A replaced by G.
Protein change: p.Glu384Gly; replaces glutamic acid 384 with glycine.
Molecular consequence: missense variant.
Genome position (GRCh38, 1-based): chr3:33,134,264, A>G. VCF-style: chr3-33134264-A-G. GRCh37 (hg19) VCF-style: chr3-33175756-A-G.
Other names: short protein forms E384G.
Identifiers: ClinVar variation 1021459 (VCV001021459.2), dbSNP rs754519818, ClinGen allele CA2300502.

ClinVar aggregate classification (germline): Uncertain significance (1 of 4 stars; one submission).

Conditions:
Osteogenesis imperfecta type 7 (OI7). Also called: OI type 7; OI type VII; OSTEOGENESIS IMPERFECTA, TYPE IIB; Osteogenesis imperfecta type 2B; OI type 2B; Osteogenesis imperfecta, perinatal lethal autosomal recessive. Identifiers: MedGen C1853162, MONDO:0012536, OMIM 610682.

Allele frequency attached by ClinVar (database versions not stated): gnomAD exomes below 0.00001 and 0.00002; ExAC 0.00001; TOPMed 0.00001.
gnomAD v4.1: 4 of 1,591,770 alleles (0.00025%); highest among the groups gnomAD compares: Admixed American, 0.0067%; no homozygotes.

Submission:

Labcorp Genetics (formerly Invitae), Labcorp
Classification: Uncertain significance for Osteogenesis imperfecta type 7. Last evaluated: 2021-08-27. Review status: criteria provided, single submitter. Criteria: Invitae Variant Classification Sherloc (09022015). Collection method: clinical testing. Allele origin: germline.
Comment: This sequence change replaces glutamic acid with glycine at codon 384 of the CRTAP protein (p.Glu384Gly). The glutamic acid residue is highly conserved and there is a moderate physicochemical difference between glutamic acid and glycine. This variant is present in population databases (rs754519818, ExAC 0.009%). This variant has not been reported in the literature in individuals affected with CRTAP-related conditions. In summary, the available evidence is currently insufficient to determine the role of this variant in disease. Therefore, it has been classified as a Variant of Uncertain Significance.